The following is an entry in ClinVar:

ClinVar aggregate classification (germline): Pathogenic (3 of 4 stars; one submission).

Conditions:
Breast-ovarian cancer, familial, susceptibility to, 2 (BROVCA2). Also called: BRCA2 Hereditary Breast and Ovarian Cancer. Identifiers: Orphanet 145, MedGen C2675520, MONDO:0012933, OMIM 612555. Disease mechanism: loss of function.

Submission:

Evidence-based Network for the Interpretation of Germline Mutant Alleles (ENIGMA)
Classification: Pathogenic for Breast-ovarian cancer, familial, susceptibility to, 2. Last evaluated: 2016-10-18. Review status: reviewed by expert panel. Criteria: ENIGMA BRCA1/2 Classification Criteria (2015). Collection method: curation. Allele origin: germline.
Comment: Variant allele predicted to encode a truncated non-functional protein.

NM_000059.4(BRCA2):c.8067_8068insTT (p.Val2690fs)

Gene: BRCA2 (BRCA2 DNA repair associated; plus strand). Cytogenetic location: 13q13.1.
Variant type: Insertion.
Coding change: c.8067_8068insTT on transcript NM_000059.4 (MANE Select); coding-DNA positions 8067 to 8068, TT inserted.
Protein change: p.Val2690fs; shifts the reading frame from valine 2690.
Molecular consequence: frameshift variant.
Genome position: GRCh38 VCF-style: chr13-32363268-G-GTT. GRCh37 (hg19) VCF-style: chr13-32937405-G-GTT.
Other names: 8294 insTT 2694 X; short protein forms V2690fs.
Identifiers: ClinVar variation 267054 (VCV000267054.5), dbSNP rs886040745, ClinGen allele CA10589467.